The following is an entry in ClinVar:

GRCh37/hg19 Xq22.2(chrX:103017429-103236332)x3

Genes: PLP1 (proteolipid protein 1; plus strand), RAB9B (RAB9B, member RAS oncogene family; minus strand), TMSB15B (thymosin beta 15B; plus strand). Cytogenetic location: Xq22.2.
Variant type: copy number gain.
Change: copy number 3 of chrX:103,017,429-103,236,332 (218.9 kb, GRCh37 coordinates, 1-based), cytogenetic band Xq22.2.
Identifiers: ClinVar variation 1809199 (VCV001809199.1).

ClinVar aggregate classification (germline): Pathogenic (1 of 4 stars; one submission).

Submission:

Quest Diagnostics Nichols Institute San Juan Capistrano
Classification: Pathogenic. Last evaluated: 2021-09-09. Review status: criteria provided, single submitter. Criteria: ACMG/ClinGen CNV Guidelines, 2019. Collection method: clinical testing. Allele origin: unknown.
Comment: The copy number gain of Xq22.2 involves several genes including PLP1(OMIM 300401). Duplications of the PLP1 gene have been associated with Pelizaeus-Merzbacher disease (PMD)(OMIM 312080) in males. Duplications, sequence variants, and rarely deletions involving PLP1 result in PMD, an X-linked hypomyelinative leukodystrophycharacterized by nystagmus, spastic quadriplegia, ataxia, and developmental delay (Inoue et al. Neurogenetics 6: 1-16, 2005P. PMID:15627202; Kevelam SH, ET AL., Ann Clin Transl Neurol. 2015Jun;2(6):648-61. PMID: 26125040; Beck CR, et al., PLoS Genet. 2015Mar 6;11(3):e1005050. PMID: 25749076;Shimojima et al., Brain Dev.2010 Mar;32(3):171-9. PMID: 19328639). Clinical presentation of this finding in a female is typically dependent upon X-inactivation status.